The following is an entry in ClinVar:

NM_006389.5(HYOU1):c.2462G>A (p.Arg821Gln)

Gene: HYOU1 (hypoxia up-regulated 1; minus strand). Cytogenetic location: 11q23.3.
Variant type: single nucleotide variant.
Coding change: c.2462G>A on transcript NM_006389.5 (MANE Select); coding-DNA position 2462, G replaced by A.
Protein change: p.Arg821Gln; replaces arginine 821 with glutamine.
Molecular consequence: missense variant.
Genome position (GRCh38, 1-based): chr11:119,047,995, C>T on the plus strand (G>A on the coding strand, the complement: HYOU1 is on the minus strand). VCF-style: chr11-119047995-C-T. GRCh37 (hg19) VCF-style: chr11-118918707-C-T.
Other names: c.2462G>A, p.Arg821Gln (NM_001130991.3, NM_001411041.1); short protein forms R821Q.
Identifiers: ClinVar variation 1930343 (VCV001930343.6), dbSNP rs782274020, ClinGen allele CA229618193.

ClinVar aggregate classification (germline): Uncertain significance. Review status: criteria provided, multiple submitters, no conflicts (2 of 4 stars). 2 submissions from 2 submitters: Uncertain significance (2). Last evaluated 2022-11-15.

Allele frequency attached by ClinVar (database versions not stated): gnomAD exomes 0.00002; gnomAD 0.00005; TOPMed 0.00011.
gnomAD v4.1: 31 of 1,614,186 alleles (0.0019%); highest among the groups gnomAD compares: East Asian, 0.025%; no homozygotes.

Submissions (2):

Labcorp Genetics (formerly Invitae), Labcorp
Classification: Uncertain significance. Last evaluated: 2022-11-15. Review status: criteria provided, single submitter. Criteria: Invitae Variant Classification Sherloc (09022015). Collection method: clinical testing. Allele origin: germline.
Comment: In summary, the available evidence is currently insufficient to determine the role of this variant in disease. Therefore, it has been classified as a Variant of Uncertain Significance. Algorithms developed to predict the effect of missense changes on protein structure and function are either unavailable or do not agree on the potential impact of this missense change (SIFT: "Not Available"; PolyPhen-2: "Benign"; Align-GVGD: "Not Available"). This variant has not been reported in the literature in individuals affected with HYOU1-related conditions. This variant is present in population databases (rs782274020, gnomAD 0.01%). This sequence change replaces arginine, which is basic and polar, with glutamine, which is neutral and polar, at codon 821 of the HYOU1 protein (p.Arg821Gln).

Ambry Genetics
Classification: Uncertain significance. Last evaluated: 2021-07-20. Review status: criteria provided, single submitter. Criteria: Ambry Variant Classification Scheme 2023. Collection method: clinical testing. Allele origin: germline.